The following is an entry in ClinVar:

ClinVar aggregate classification (germline): Uncertain significance. Review status: criteria provided, multiple submitters, no conflicts (2 of 4 stars). 2 submissions from 2 submitters: Uncertain significance (2). Last evaluated 2026-03-24.

Conditions:
STIM1-related disorder. Also called: STIM1-related condition.

gnomAD v4.1: 4 of 1,614,054 alleles (0.00025%); highest among the groups gnomAD compares: Non-Finnish European, 0.000085%; no homozygotes.

Submissions (2):

PreventionGenetics, part of Exact Sciences
Classification: Uncertain significance for STIM1-related condition. Last evaluated: 2026-03-24. Review status: criteria provided, single submitter. Criteria: ACMG Guidelines, 2015. Collection method: clinical testing. Allele origin: germline.
Comment: The STIM1 c.1666A>G variant is predicted to result in the amino acid substitution p.Ser556Gly. To our knowledge, this variant has not been reported in the literature. This variant is reported in 0.0065% of alleles in individuals of European (Non-Finnish) descent in gnomAD. At this time, the clinical significance of this variant is uncertain due to the absence of conclusive functional and genetic evidence.

GeneDx
Classification: Uncertain significance. Last evaluated: 2025-05-09. Review status: criteria provided, single submitter. Criteria: GeneDx Variant Classification Process June 2021. Collection method: clinical testing. Allele origin: germline. Affected: yes.
Comment: Not observed at significant frequency in large population cohorts (gnomAD); In silico analysis suggests that this missense variant does not alter protein structure/function; Has not been previously published as pathogenic or benign to our knowledge

NM_001382567.1(STIM1):c.1759A>G (p.Ser587Gly)

Gene: STIM1 (stromal interaction molecule 1; plus strand). Cytogenetic location: 11p15.4.
Variant type: single nucleotide variant.
Coding change: c.1759A>G on transcript NM_001382567.1 (MANE Select); coding-DNA position 1759, A replaced by G.
Protein change: p.Ser587Gly; replaces serine 587 with glycine.
Molecular consequence: missense variant. On other transcripts: 3 prime UTR variant (4), non-coding transcript variant (3).
Genome position (GRCh38, 1-based): chr11:4,091,406, A>G. VCF-style: chr11-4091406-A-G. GRCh37 (hg19) VCF-style: chr11-4112636-A-G.
Other names: c.1984A>G, p.Ser662Gly (NM_001277961.3); c.*80A>G (NM_001277962.2, NM_001382578.1, NM_001382579.1 and 1 more transcripts); c.1762A>G, p.Ser588Gly (NM_001382566.1); c.1687A>G, p.Ser563Gly (NM_001382568.1); c.1531A>G, p.Ser511Gly (NM_001382569.1); c.1438A>G, p.Ser480Gly (NM_001382570.1); c.1186A>G, p.Ser396Gly (NM_001382571.1); c.1444A>G, p.Ser482Gly (NM_001382575.1, NM_001382576.1, NM_001382577.1); and 2 more; short protein forms S393G, S396G, S480G, S482G, S511G, S556G, S563G, S587G.
Identifiers: ClinVar variation 4528233 (VCV004528233.2).